The following is an entry in ClinVar:

ClinVar aggregate classification (germline): Uncertain significance. Review status: criteria provided, multiple submitters, no conflicts (2 of 4 stars). 2 submissions from 2 submitters: Uncertain significance (2). Last evaluated 2025-09-11.

Conditions:
Long QT syndrome (LQTS). Identifiers: MedGen C0023976, MeSH D008133, MONDO:0002442. Disease mechanism: loss of function. Inheritance: Various modes of inheritance.
Cardiovascular phenotype. Identifiers: MedGen CN230736.

gnomAD v4.1: 6 of 1,613,898 alleles (0.00037%); highest among the groups gnomAD compares: Middle Eastern, 0.017%; no homozygotes.

Submissions (2):

Labcorp Genetics (formerly Invitae), Labcorp
Classification: Uncertain significance for Long QT syndrome. Last evaluated: 2025-09-11. Review status: criteria provided, single submitter. Criteria: Invitae Variant Classification Sherloc (09022015). Collection method: clinical testing. Allele origin: germline.
Comment: This sequence change replaces histidine, which is basic and polar, with arginine, which is basic and polar, at codon 1478 of the AKAP9 protein (p.His1478Arg). This variant is present in population databases (rs61757670, gnomAD 0.003%). This variant has not been reported in the literature in individuals affected with AKAP9-related conditions. ClinVar contains an entry for this variant (Variation ID: 4034429). An algorithm developed to predict the effect of missense changes on protein structure and function outputs the following: PolyPhen-2: "Benign". The arginine amino acid residue is found in multiple mammalian species, which suggests that this missense change does not adversely affect protein function. In summary, the available evidence is currently insufficient to determine the role of this variant in disease. Therefore, it has been classified as a Variant of Uncertain Significance.

Ambry Genetics
Classification: Uncertain significance for Cardiovascular phenotype. Last evaluated: 2025-03-22. Review status: criteria provided, single submitter. Criteria: Ambry Variant Classification Scheme 2023. Collection method: clinical testing. Allele origin: germline.

NM_005751.5(AKAP9):c.4433A>G (p.His1478Arg)

Gene: AKAP9 (A-kinase anchoring protein 9; plus strand). Cytogenetic location: 7q21.2.
Variant type: single nucleotide variant.
Coding change: c.4433A>G on transcript NM_005751.5 (MANE Select); coding-DNA position 4433, A replaced by G.
Protein change: p.His1478Arg; replaces histidine 1478 with arginine.
Molecular consequence: missense variant.
Genome position (GRCh38, 1-based): chr7:92,038,513, A>G. VCF-style: chr7-92038513-A-G. GRCh37 (hg19) VCF-style: chr7-91667827-A-G.
Other names: c.4433A>G, p.His1478Arg (NM_147185.3); short protein forms H1478R.
Identifiers: ClinVar variation 4034429 (VCV004034429.2).